The following is an entry in ClinVar:

ClinVar aggregate classification (germline): Conflicting classifications of pathogenicity. Review status: criteria provided, conflicting classifications (1 of 4 stars). 4 submissions from 3 submitters: Uncertain significance (1); Benign (1); Likely benign (2). Last evaluated 2026-01-15.

Conditions:
Familial hemiplegic migraine. Identifiers: MedGen C0338484, MONDO:0000700.
Alternating hemiplegia of childhood 1 (AHC1). Identifiers: Orphanet 2131, MedGen C3549447, MONDO:0007087, OMIM 104290.
Migraine, familial hemiplegic, 2. Identifiers: Orphanet 569, MedGen C1865322, MONDO:0011232, OMIM 602481.

Allele frequency attached by ClinVar (database versions not stated): TOPMed 0.00001; ExAC 0.00002; gnomAD 0.00002 and 0.00008; gnomAD exomes 0.00002 and 0.00011; 1000 Genomes Project 30x 0.00031; 1000 Genomes Project 0.00040.
gnomAD v4.1: 162 of 1,614,050 alleles (0.01%); highest among the groups gnomAD compares: East Asian, 0.36%; no homozygotes.

Submissions (4):

Labcorp Genetics (formerly Invitae), Labcorp
Classification: Likely benign for Familial hemiplegic migraine. Last evaluated: 2026-01-15. Review status: criteria provided, single submitter. Criteria: Invitae Variant Classification Sherloc (09022015). Collection method: clinical testing. Allele origin: germline.

Illumina Laboratory Services, Illumina
Classification: Likely benign for Migraine, familial hemiplegic, 2. Last evaluated: 2018-01-13. Review status: criteria provided, single submitter. Criteria: ICSL Variant Classification Criteria 13 December 2019. Collection method: clinical testing. Allele origin: germline.
Comment: This variant was observed in the ICSL laboratory as part of a predisposition screen in an ostensibly healthy population. It had not been previously curated by ICSL or reported in the Human Gene Mutation Database (HGMD: prior to June 1st, 2018), and was therefore a candidate for classification through an automated scoring system. Utilizing variant allele frequency, disease prevalence and penetrance estimates, and inheritance mode, an automated score was calculated to assess if this variant is too frequent to cause the disease. Based on the score and internal cut-off values, a variant classified as likely benign is not then subjected to further curation. The score for this variant resulted in a classification of likely benign for this disease.

Illumina Laboratory Services, Illumina
Classification: Benign for Alternating hemiplegia of childhood 1. Last evaluated: 2018-01-13. Review status: criteria provided, single submitter. Criteria: ICSL Variant Classification Criteria 13 December 2019. Collection method: clinical testing. Allele origin: germline.
Comment: This variant was observed in the ICSL laboratory as part of a predisposition screen in an ostensibly healthy population. It had not been previously curated by ICSL or reported in the Human Gene Mutation Database (HGMD: prior to June 1st, 2018), and was therefore a candidate for classification through an automated scoring system. Utilizing variant allele frequency, disease prevalence and penetrance estimates, and inheritance mode, an automated score was calculated to assess if this variant is too frequent to cause the disease. Based on the score and internal cut-off values, a variant classified as benign is not then subjected to further curation. The score for this variant resulted in a classification of benign for this disease.

Eurofins Ntd Llc (ga)
Classification: Uncertain significance. Last evaluated: 2016-04-05. Review status: criteria provided, single submitter. Criteria: EGL Classification Definitions 2015. Collection method: clinical testing. Allele origin: germline. Observed: 2 variant alleles, 2 heterozygotes.

NM_000702.4(ATP1A2):c.2412C>T (p.Ile804=)

Gene: ATP1A2 (ATPase Na+/K+ transporting subunit alpha 2; plus strand). Cytogenetic location: 1q23.2.
Variant type: single nucleotide variant.
Coding change: c.2412C>T on transcript NM_000702.4 (MANE Select); coding-DNA position 2412, C replaced by T.
Protein change: p.Ile804=; no amino-acid change (isoleucine 804 retained).
Molecular consequence: synonymous variant.
Genome position (GRCh38, 1-based): chr1:160,135,966, C>T. VCF-style: chr1-160135966-C-T. GRCh37 (hg19) VCF-style: chr1-160105756-C-T.
Identifiers: ClinVar variation 194713 (VCV000194713.17), dbSNP rs143969080, ClinGen allele CA240844.